The following is an entry in ClinVar:

NM_001042424.3(NSD2):c.2138-128C>T

Gene: NSD2 (nuclear receptor binding SET domain protein 2; plus strand). Cytogenetic location: 4p16.3.
Variant type: single nucleotide variant.
Coding change: c.2138-128C>T on transcript NM_001042424.3 (MANE Select); 128 bases into the intron before coding-DNA position 2138, C replaced by T.
Molecular consequence: intron variant.
Genome position (GRCh38, 1-based): chr4:1,953,196, C>T. VCF-style: chr4-1953196-C-T. GRCh37 (hg19) VCF-style: chr4-1954923-C-T.
Other names: c.2138-128C>T (NM_001440892.1, NM_001440894.1, NM_001440895.1 and 3 more transcripts); c.2237-128C>T (NM_001440893.1); c.1169-128C>T (NM_001440900.1, NM_001440899.1); c.2137+965C>T (NM_001440896.1); c.1931-128C>T (NM_001440897.1, NM_001440898.1).
Identifiers: ClinVar variation 5038827 (VCV005038827.1).

ClinVar aggregate classification (germline): Likely benign (1 of 4 stars; one submission).

gnomAD v4.1: 107 of 1,568,526 alleles (0.0068%); highest among the groups gnomAD compares: Admixed American, 0.2%; 1 homozygote.

Submission:

CeGaT Center for Human Genetics Tuebingen
Classification: Likely benign. Last evaluated: 2026-09-01. Review status: criteria provided, single submitter. Criteria: CeGaT Center For Human Genetics Tuebingen Variant Classification Criteria Version 2. Collection method: clinical testing. Allele origin: germline. Affected: yes. Observed: 2 variant alleles.
Comment: NSD2: BP4, BP7